The following is an entry in ClinVar:

NM_001378454.1(ALMS1):c.4546C>A (p.Pro1516Thr)

Gene: ALMS1 (ALMS1 centrosome and basal body associated protein; plus strand). Cytogenetic location: 2p13.1.
Variant type: single nucleotide variant.
Coding change: c.4546C>A on transcript NM_001378454.1 (MANE Select); coding-DNA position 4546, C replaced by A.
Protein change: p.Pro1516Thr; replaces proline 1516 with threonine.
Molecular consequence: missense variant.
Genome position (GRCh38, 1-based): chr2:73,451,073, C>A. VCF-style: chr2-73451073-C-A. GRCh37 (hg19) VCF-style: chr2-73678200-C-A.
Other names: c.4549C>A, p.Pro1517Thr (NM_015120.4); short protein forms P1517T, P1516T.
Identifiers: ClinVar variation 2097307 (VCV002097307.1), dbSNP rs2466101997, ClinGen allele CA347278759.

ClinVar aggregate classification (germline): Uncertain significance (1 of 4 stars; one submission).

Conditions:
Alstrom syndrome (ALMS). Identifiers: Orphanet 64, MedGen C0268425, MONDO:0008763, OMIM 203800.

Submission:

Labcorp Genetics (formerly Invitae), Labcorp
Classification: Uncertain significance for Alstrom syndrome. Last evaluated: 2022-02-12. Review status: criteria provided, single submitter. Criteria: Invitae Variant Classification Sherloc (09022015). Collection method: clinical testing. Allele origin: germline.
Comment: This sequence change replaces proline, which is neutral and non-polar, with threonine, which is neutral and polar, at codon 1517 of the ALMS1 protein (p.Pro1517Thr). This variant is not present in population databases (gnomAD no frequency). This variant has not been reported in the literature in individuals affected with ALMS1-related conditions. Experimental studies and prediction algorithms are not available or were not evaluated, and the functional significance of this variant is currently unknown. In summary, the available evidence is currently insufficient to determine the role of this variant in disease. Therefore, it has been classified as a Variant of Uncertain Significance.